The following is an entry in ClinVar:

ClinVar aggregate classification (germline): Pathogenic. Review status: reviewed by expert panel (3 of 4 stars). 7 submissions from 7 submitters: Pathogenic (1). 6 of the submissions do not count toward it. Last evaluated 2016-09-08.

Conditions:
Hereditary cancer-predisposing syndrome. Also called: Neoplastic Syndromes, Hereditary; Hereditary Cancer Syndrome; Tumor predisposition; Hereditary neoplastic syndrome. Identifiers: Orphanet 140162, MedGen C0027672, MeSH D009386, MONDO:0015356.
Hereditary breast ovarian cancer syndrome. Also called: BRCA1- and BRCA2-Associated Hereditary Breast and Ovarian Cancer; Hereditary breast and ovarian cancer; Hereditary breast and ovarian cancer syndrome; Hereditary breast and ovarian cancer syndrome (HBOC); Hereditary breast and/or ovarian cancer syndrome; Breast and ovarian cancer. Identifiers: Orphanet 145, MedGen C0677776, MeSH D061325, MONDO:0003582. Disease mechanism: loss of function.
Breast-ovarian cancer, familial, susceptibility to, 2 (BROVCA2). Also called: BRCA2 Hereditary Breast and Ovarian Cancer. Identifiers: Orphanet 145, MedGen C2675520, MONDO:0012933, OMIM 612555. Disease mechanism: loss of function.
Familial cancer of breast. Also called: BREAST CANCER, FAMILIAL; Hereditary breast cancer; hereditary breast carcinoma. Identifiers: Orphanet 227535, MedGen C0346153, MONDO:0016419, OMIM 114480. Disease mechanism: loss of function.

Submissions (7):

Evidence-based Network for the Interpretation of Germline Mutant Alleles (ENIGMA)
Classification: Pathogenic for Breast-ovarian cancer, familial, susceptibility to, 2. Last evaluated: 2016-09-08. Review status: reviewed by expert panel. Criteria: ENIGMA BRCA1/2 Classification Criteria (2015). Collection method: curation. Allele origin: germline.
Comment: Variant allele predicted to encode a truncated non-functional protein.

Color Diagnostics, LLC DBA Color Health
Classification: Pathogenic for Hereditary cancer-predisposing syndrome. Last evaluated: 2024-11-13. Review status: criteria provided, single submitter. Criteria: ACMG Guidelines, 2015. Collection method: clinical testing. Allele origin: germline. Not counted in ClinVar's aggregate classification.
Comment: This variant inserts 1 nucleotide in exon 11 of the BRCA2 gene, creating a frameshift and premature translation stop signal. This variant is expected to result in an absent or non-functional protein product. This variant has been reported in one individual each affected with breast cancer and both recurrent breast cancer and thyroid cancer (PMID: 27276934, 27882536). This variant has not been identified in the general population by the Genome Aggregation Database (gnomAD). Loss of BRCA2 function is a known mechanism of disease. Based on the available evidence, this variant is classified as Pathogenic.

GeneDx
Classification: Pathogenic. Last evaluated: 2024-04-26. Review status: criteria provided, single submitter. Criteria: GeneDx Variant Classification Process June 2021. Collection method: clinical testing. Allele origin: germline. Not counted in ClinVar's aggregate classification.
Comment: Observed in individuals with a personal and/or family history of BRCA2-related cancers (PMID: 27276934, 27882536); Frameshift variant predicted to result in protein truncation or nonsense mediated decay in a gene for which loss of function is a known mechanism of disease; Not observed at significant frequency in large population cohorts (gnomAD); Truncating variants in this gene are considered pathogenic by a well-established clinical consortium and/or database; Also known as 6319dupA; This variant is associated with the following publications: (PMID: 27882536, 27276934, 34823292, 31209999)

Labcorp Genetics (formerly Invitae), Labcorp
Classification: Pathogenic for Hereditary breast ovarian cancer syndrome. Last evaluated: 2024-04-05. Review status: criteria provided, single submitter. Criteria: Invitae Variant Classification Sherloc (09022015). Collection method: clinical testing. Allele origin: germline. Not counted in ClinVar's aggregate classification.
Comment: This sequence change creates a premature translational stop signal (p.Thr2031Asnfs*18) in the BRCA2 gene. It is expected to result in an absent or disrupted protein product. Loss-of-function variants in BRCA2 are known to be pathogenic (PMID: 20104584). This variant is not present in population databases (gnomAD no frequency). This premature translational stop signal has been observed in individual(s) with a personal and/or family history of breast and/or ovarian cancer (PMID: 27276934, 27882536). ClinVar contains an entry for this variant (Variation ID: 142787). For these reasons, this variant has been classified as Pathogenic.

Ambry Genetics
Classification: Pathogenic for Hereditary cancer-predisposing syndrome. Last evaluated: 2023-12-22. Review status: criteria provided, single submitter. Criteria: Ambry Variant Classification Scheme 2023. Collection method: clinical testing. Allele origin: germline. Not counted in ClinVar's aggregate classification.
Comment: The c.6091dupA pathogenic mutation, located in coding exon 10 of the BRCA2 gene, results from a duplication of A at nucleotide position 6091, causing a translational frameshift with a predicted alternate stop codon (p.T2031Nfs*18). This alteration has been reported in individuals with breast cancer (Loizidou MA et al. Clin. Genet. 2017 Apr;91:611-615; Bunnell AE et al. J Genet Couns. 2017 Feb;26:105-112). This variant is considered to be rare based on population cohorts in the Genome Aggregation Database (gnomAD). In addition to the clinical data presented in the literature, this alteration is expected to result in loss of function by premature protein truncation or nonsense-mediated mRNA decay. As such, this alteration is interpreted as a disease-causing mutation.

Baylor Genetics
Classification: Pathogenic for Familial cancer of breast. Last evaluated: 2023-06-02. Review status: criteria provided, single submitter. Criteria: ACMG Guidelines, 2015. Collection method: clinical testing. Allele origin: unknown. Not counted in ClinVar's aggregate classification.

Biesecker Lab/Clinical Genomics Section, National Institutes of Health
Classification: Pathogenic for Breast-ovarian cancer, familial, susceptibility to, 2. Last evaluated: 2017-10-24. Review status: criteria provided, single submitter. Criteria: ACMG Guidelines, 2015. Collection method: curation. Allele origin: germline. Study: CSER_ClinSeq. Not counted in ClinVar's aggregate classification.

Literature cited by the submitters: PubMed 27276934 (cited by 3 submitters); PubMed 27882536 (cited by 3 submitters); PubMed 20104584 (cited by Labcorp Genetics (formerly Invitae), Labcorp).

NM_000059.4(BRCA2):c.6091dup (p.Thr2031fs)

Gene: BRCA2 (BRCA2 DNA repair associated; plus strand). Cytogenetic location: 13q13.1.
Variant type: Duplication.
Coding change: c.6091dup on transcript NM_000059.4 (MANE Select); coding-DNA position 6091, one base duplicated (A; older notation c.6091dupA).
Protein change: p.Thr2031fs; shifts the reading frame from threonine 2031.
Molecular consequence: frameshift variant.
Genome position (GRCh38, 1-based): chr13:32,340,446, A duplicated. VCF-style (leftmost placement, unchanged base first): chr13-32340445-T-TA. GRCh37 (hg19) VCF-style: chr13-32914582-T-TA.
Other names: c.6091dupA (NM_000059.3); short protein forms T2031fs.
Identifiers: ClinVar variation 142787 (VCV000142787.22), dbSNP rs587782717, ClinGen allele CA169406.
Genomic context (GRCh38, chr13:32,340,445, plus strand): 5'-CTTTTCCAAAGTATTGTTTAAAAGTAACGAACATTCAGACCAGCTCACAAGAGAAGAAAA[T>TA]ACTGCTATACGTACTCCAGAACATTTAATATCCCAAAAAGGCTTTTCATATAATGTGGTA-3'